The following is an entry in ClinVar:

NM_020751.3(COG6):c.691C>T (p.Gln231Ter)

Gene: COG6 (component of oligomeric golgi complex 6; plus strand). Cytogenetic location: 13q14.11.
Variant type: single nucleotide variant.
Coding change: c.691C>T on transcript NM_020751.3 (MANE Select); coding-DNA position 691, C replaced by T.
Protein change: p.Gln231Ter; replaces glutamine 231 with a stop codon.
Molecular consequence: nonsense. On other transcripts: non-coding transcript variant (1).
Genome position (GRCh38, 1-based): chr13:39,680,042, C>T. VCF-style: chr13-39680042-C-T. GRCh37 (hg19) VCF-style: chr13-40254179-C-T.
Other names: c.691C>T, p.Gln231Ter (NM_001145079.2); short protein forms Q231*.
Identifiers: ClinVar variation 3341068 (VCV003341068.1).
Genomic context (GRCh38, chr13:39,680,042, plus strand): 5'-ATTATGGAACAGATGGCCTTACTTCAAGAAACGGCTTATGAAAGACTTTACCGATGGGCT[C>T]AAAGTAAGTGATTTCTTTTATGTTGTCTAGATTCATGAACATTTGTAGTTGTTTTTTAAA-3'

ClinVar aggregate classification (germline): Likely pathogenic (1 of 4 stars; one submission).

gnomAD v4.1: 4 of 1,562,568 alleles (0.00026%); highest among the groups gnomAD compares: Non-Finnish European, 0.00035%; no homozygotes.

Submission:

GeneDx
Classification: Likely pathogenic. Last evaluated: 2023-12-25. Review status: criteria provided, single submitter. Criteria: GeneDx Variant Classification Process June 2021. Collection method: clinical testing. Allele origin: germline. Affected: yes.
Comment: Has not been previously published as pathogenic or benign to our knowledge; Nonsense variant predicted to result in protein truncation or nonsense mediated decay in a gene for which loss of function is a known mechanism of disease; Not observed at significant frequency in large population cohorts (gnomAD)